The following is an entry in ClinVar:

ClinVar aggregate classification (germline): Uncertain significance (1 of 4 stars; one submission).

gnomAD v4.1: 2 of 1,613,928 alleles (0.00012%); highest among the groups gnomAD compares: Non-Finnish European, 0.00017%; no homozygotes.

Submission:

Labcorp Genetics (formerly Invitae), Labcorp
Classification: Uncertain significance. Last evaluated: 2022-05-20. Review status: criteria provided, single submitter. Criteria: Invitae Variant Classification Sherloc (09022015). Collection method: clinical testing. Allele origin: germline.
Comment: In summary, the available evidence is currently insufficient to determine the role of this variant in disease. Therefore, it has been classified as a Variant of Uncertain Significance. Algorithms developed to predict the effect of sequence changes on RNA splicing suggest that this variant may disrupt the consensus splice site. This variant has not been reported in the literature in individuals affected with EGF-related conditions. This variant is not present in population databases (gnomAD no frequency). This sequence change creates a premature translational stop signal (p.Leu858*) in the EGF gene. It is expected to result in an absent or disrupted protein product. However, the current clinical and genetic evidence is not sufficient to establish whether loss-of-function variants in EGF cause disease.

NM_001963.6(EGF):c.2573T>A (p.Leu858Ter)

Gene: EGF (epidermal growth factor; plus strand). Cytogenetic location: 4q25.
Variant type: single nucleotide variant.
Coding change: c.2573T>A on transcript NM_001963.6 (MANE Select); coding-DNA position 2573, T replaced by A.
Protein change: p.Leu858Ter; replaces leucine 858 with a stop codon.
Molecular consequence: nonsense. On other transcripts: intron variant (1).
Genome position (GRCh38, 1-based): chr4:109,987,825, T>A. VCF-style: chr4-109987825-T-A. GRCh37 (hg19) VCF-style: chr4-110908981-T-A.
Other names: c.2573T>A, p.Leu858Ter (NM_001178130.3); c.2447T>A, p.Leu816Ter (NM_001178131.3); c.2365+4284T>A (NM_001357021.2); short protein forms L816*, L858*.
Identifiers: ClinVar variation 2106816 (VCV002106816.4), dbSNP rs2545868810, ClinGen allele CA357886151.